The following is an entry in ClinVar:

ClinVar aggregate classification (germline): Uncertain significance (1 of 4 stars; one submission).

Conditions:
Atypical hemolytic-uremic syndrome. Identifiers: Orphanet 2134, MedGen C2931788, MONDO:0016244.
Basal laminar drusen. Also called: DRUSEN OF BRUCH MEMBRANE; DRUSEN, CUTICULAR; DRUSEN, EARLY ADULT-ONSET, GROUPED. Identifiers: Orphanet 75376, MedGen C0730295, MONDO:0007472, OMIM 126700.
Factor H deficiency (CFHD). Also called: COMPLEMENT FACTOR H DEFICIENCY; CFH DEFICIENCY. Identifiers: Orphanet 200421, MedGen C0398777, MONDO:0012350, OMIM 609814.
Age related macular degeneration 4. Identifiers: MedGen C1853147, MONDO:0012540, OMIM 610698.

gnomAD v4.1: 2 of 1,613,110 alleles (0.00012%); highest among the groups gnomAD compares: South Asian, 0.0011%; no homozygotes.

Submission:

Genomenon, Inc
Classification: Uncertain significance for Basal laminar drusen; Age related macular degeneration 4; Atypical hemolytic-uremic syndrome; Factor H deficiency. Last evaluated: 2025-10-02. Review status: criteria provided, single submitter. Criteria: Genomenon Sequence Variant Interpretation Standards - Updated. Collection method: curation. Allele origin: germline. Affected: no.
Comment: CFH p.Arg166Gly (c.496C>G) is a missense variant that changes the amino acid at residue 166 from Arginine to Glycine. This variant has been reported in the published literature (PMID:29686068). It is absent or not present at a significant frequency in gnomAD. In silico models agree that this variant is not damaging. In conclusion, we classify CFH p.Arg166Gly (c.496C>G) as a variant of uncertain significance.

Literature cited by the submitters: PubMed 29686068.

NM_000186.4(CFH):c.496C>G (p.Arg166Gly)

Gene: CFH (complement factor H; plus strand). Cytogenetic location: 1q31.3.
Variant type: single nucleotide variant.
Coding change: c.496C>G on transcript NM_000186.4 (MANE Select); coding-DNA position 496, C replaced by G.
Protein change: p.Arg166Gly; replaces arginine 166 with glycine.
Molecular consequence: missense variant.
Genome position (GRCh38, 1-based): chr1:196,677,544, C>G. VCF-style: chr1-196677544-C-G. GRCh37 (hg19) VCF-style: chr1-196646674-C-G.
Other names: c.496C>G, p.Arg166Gly (NM_001014975.3); short protein forms R166G.
Identifiers: ClinVar variation 4291287 (VCV004291287.1).